The following is an entry in ClinVar:

ClinVar aggregate classification (germline): Likely pathogenic (1 of 4 stars; one submission).

Conditions:
Familial dysautonomia. Also called: HSAN III; FD. Identifiers: Orphanet 1764, MedGen C0013364, MONDO:0009131, OMIM 223900. Disease mechanism: loss of function.

Submission:

Myriad Genetics, Inc.
Classification: Likely pathogenic for Familial dysautonomia. Last evaluated: 2022-03-01. Review status: criteria provided, single submitter. Criteria: Myriad Women's Health Autosomal Recessive and X-Linked Classification Criteria (2021). Collection method: clinical testing. Allele origin: unknown.
Comment: NM_003640.3(ELP1):c.2677delC(H893Ifs*14) is expected to be pathogenic in the context of familial dysautonomia. This variant is predicted to lead to an abnormal or absent protein product due to the creation of a premature termination codon in ELP1, a gene where loss-of-function variants are known to be pathogenic. Please note: this variant was assessed in the context of healthy population screening.

NM_003640.5(ELP1):c.2677del (p.His893fs)

Gene: ELP1 (elongator acetyltransferase complex subunit 1; minus strand). Cytogenetic location: 9q31.3.
Variant type: Deletion.
Coding change: c.2677del on transcript NM_003640.5 (MANE Select); coding-DNA position 2677, one base deleted (C; older notation c.2677delC).
Protein change: p.His893fs; shifts the reading frame from histidine 893.
Molecular consequence: frameshift variant.
Genome position (GRCh38, 1-based): chr9:108,896,555, G deleted on the plus strand (C on the coding strand, the reverse complement: ELP1 is on the minus strand). VCF-style (leftmost placement, unchanged base first): chr9-108896554-TG-T. GRCh37 (hg19) VCF-style: chr9-111658834-TG-T.
Other names: c.2335del, p.His779fs (NM_001318360.2); c.1630del, p.His544fs (NM_001330749.2); short protein forms H544fs, H779fs, H893fs.
Identifiers: ClinVar variation 1724834 (VCV001724834.2), dbSNP rs2537889121, ClinGen allele CA2580079379.